The following is an entry in ClinVar:

ClinVar aggregate classification (germline): Uncertain significance (1 of 4 stars; one submission).

Submission:

Labcorp Genetics (formerly Invitae), Labcorp
Classification: Uncertain significance. Last evaluated: 2024-04-16. Review status: criteria provided, single submitter. Criteria: Invitae Variant Classification Sherloc (09022015). Collection method: clinical testing. Allele origin: germline.
Comment: This sequence change replaces phenylalanine, which is neutral and non-polar, with leucine, which is neutral and non-polar, at codon 983 of the LEPR protein (p.Phe983Leu). This variant is not present in population databases (gnomAD no frequency). This variant has not been reported in the literature in individuals affected with LEPR-related conditions. ClinVar contains an entry for this variant (Variation ID: 1919676). An algorithm developed to predict the effect of missense changes on protein structure and function (PolyPhen-2) suggests that this variant is likely to be tolerated. In summary, the available evidence is currently insufficient to determine the role of this variant in disease. Therefore, it has been classified as a Variant of Uncertain Significance.

NM_002303.6(LEPR):c.2947T>C (p.Phe983Leu)

Gene: LEPR (leptin receptor; plus strand). Cytogenetic location: 1p31.3.
Variant type: single nucleotide variant.
Coding change: c.2947T>C on transcript NM_002303.6 (MANE Select); coding-DNA position 2947, T replaced by C.
Protein change: p.Phe983Leu; replaces phenylalanine 983 with leucine.
Molecular consequence: missense variant.
Genome position (GRCh38, 1-based): chr1:65,636,464, T>C. VCF-style: chr1-65636464-T-C. GRCh37 (hg19) VCF-style: chr1-66102147-T-C.
Other names: short protein forms F983L.
Identifiers: ClinVar variation 1919676 (VCV001919676.5), dbSNP rs2101047144, ClinGen allele CA340688585.